The following is an entry in ClinVar:

ClinVar aggregate classification (germline): Likely benign (1 of 4 stars; one submission).

Allele frequency attached by ClinVar (database versions not stated): 1000 Genomes Project 30x 0.00016; 1000 Genomes Project 0.00020; ExAC 0.00048; TOPMed 0.00053; gnomAD 0.00055; ESP Exome Variant Server 0.00062; gnomAD exomes 0.00103.
gnomAD v4.1: 1,548 of 1,596,964 alleles (0.097%); highest among the groups gnomAD compares: Non-Finnish European, 0.12%; 2 homozygotes.

Submission:

CeGaT Center for Human Genetics Tuebingen
Classification: Likely benign. Last evaluated: 2022-06-01. Review status: criteria provided, single submitter. Criteria: CeGaT Center For Human Genetics Tuebingen Variant Classification Criteria Version 2. Collection method: clinical testing. Allele origin: germline. Affected: yes. Observed: 1 variant allele.
Comment: AMDHD2: BP4, BP7

NM_001330449.2(AMDHD2):c.556C>T (p.Leu186=)

Gene: AMDHD2 (amidohydrolase domain containing 2; plus strand). Cytogenetic location: 16p13.3.
Variant type: single nucleotide variant.
Coding change: c.556C>T on transcript NM_001330449.2 (MANE Select); coding-DNA position 556, C replaced by T.
Protein change: p.Leu186=; no amino-acid change (leucine 186 retained).
Molecular consequence: synonymous variant.
Genome position (GRCh38, 1-based): chr16:2,527,913, C>T. VCF-style: chr16-2527913-C-T. GRCh37 (hg19) VCF-style: chr16-2577914-C-T.
Other names: c.556C>T, p.Leu186= (NM_001145815.2, NM_001410943.1, NM_015944.4).
Identifiers: ClinVar variation 2646064 (VCV002646064.24), dbSNP rs376877052, ClinGen allele CA7844807.